The following is an entry in ClinVar:

NM_000540.3(RYR1):c.38T>G (p.Leu13Arg)

Gene: RYR1 (ryanodine receptor 1; plus strand). Cytogenetic location: 19q13.2.
Variant type: single nucleotide variant.
Coding change: c.38T>G on transcript NM_000540.3 (MANE Select); coding-DNA position 38, T replaced by G.
Protein change: p.Leu13Arg; replaces leucine 13 with arginine.
Molecular consequence: missense variant.
Genome position (GRCh38, 1-based): chr19:38,433,867, T>G. VCF-style: chr19-38433867-T-G. GRCh37 (hg19) VCF-style: chr19-38924507-T-G.
Other names: NM_000540.2(RYR1):c.38T>G; NM_000540.3(RYR1):c.38T>G; c.38T>G, p.Leu13Arg (NM_001042723.2); short protein forms L13R.
Identifiers: ClinVar variation 133129 (VCV000133129.16), dbSNP rs193922744, ClinGen allele CA024414.
Genomic context (GRCh38, chr19:38,433,867, plus strand): 5'-CCTGGGCTTCCGACCTCGACATCATGGGTGACGCAGAAGGCGAAGACGAGGTCCAGTTCC[T>G]GCGGACGGTGCGTATCTCTGGGTTAGGGGCCTGTGGGGCTATCTCTTGGGGCTCTCTGAG-3'
Protein context (NP_000531.2, residues 3-23): DAEGEDEVQF[Leu13Arg]RTDDEVVLQC

ClinVar aggregate classification (germline): Likely pathogenic. Review status: reviewed by expert panel (3 of 4 stars). 8 submissions from 8 submitters: Likely pathogenic (1). 7 of the submissions do not count toward it. Last evaluated 2025-08-01.

Conditions:
RYR1-related disorder. Also called: RYR1-related disorders; RYR1-related condition. Identifiers: MedGen CN239331.
Malignant hyperthermia, susceptibility to, 1 (MHS1). Also called: RYR1-Related Malignant Hyperthermia Susceptibility; Malignant hyperthermia suceptibility 1; Anesthesia related hyperthermia; Malignant hyperpyrexia; Fulminating hyperpyrexia; Pharmacogenic myopathy. Identifiers: Orphanet 423, MedGen C2930980, MONDO:0007783, OMIM 145600.

Submissions (8):

ClinGen Malignant Hyperthermia Susceptibility Variant Curation Expert Panel, ClinGen
Classification: Likely pathogenic for Malignant hyperthermia, susceptibility to, 1. Last evaluated: 2025-08-01. Review status: reviewed by expert panel. Criteria: ClinGen MHS ACMG Specifications V2. Collection method: curation. Allele origin: germline. Inheritance: Autosomal dominant inheritance. Study: ClinGen.
Comment: This pathogenicity assessment is relevant only for malignant hyperthermia susceptibility (MHS) inherited in an autosomal dominant pattern. Variants in RYR1 can also cause other myopathies inherited in an autosomal dominant pattern or in an autosomal recessive pattern. Some of these disorders may predispose individuals to malignant hyperthermia. RYR1 variants may also contribute to a malignant hyperthermia reaction in combination with other genetic and non-genetic factors and the clinician needs to consider such factors in making management decisions. This sequence variant predicts a substitution of leucine with arginine at codon 13 of the RYR1 protein, p.(Leu13Arg). This variant was not present in a large population database (gnomAD) at the time this variant was interpreted. This variant has been reported in three unrelated individuals who have a personal or family history of a malignant hyperthermia reaction, two of these individuals had a positive in vitro contracture test (IVCT) or caffeine halothane contracture test (CHCT) result (if the proband was unavailable for testing, a positive diagnostic test result in a mutation-positive relative was counted), PS4_Moderate (PMID:19191329; PMID:30236257; PMID:16732084). Functional studies in HEK293 cells show an increased sensitivity to RYR1 agonists, PS3_Moderate (PMID: 341427251). This variant resides in a region of RYR1 considered to be a hotspot for pathogenic variants that contribute to MHS, PM1 (PMID: 21118704). This variant segregates with MHS in three individuals ,PP1 (PMID:19191329, personal communication, RYR1/MHS_VCEP). A REVEL score of 0.828 supports neither a pathogenic nor a benign status for this variant. This variant has been classified as Likely Pathogenic. Criteria implemented: PS3_Moderate, PS4_Moderate, PM1, PP1.

GeneDx
Classification: Likely pathogenic. Last evaluated: 2025-05-21. Review status: criteria provided, single submitter. Criteria: GeneDx Variant Classification Process June 2021. Collection method: clinical testing. Allele origin: germline. Affected: yes. Not counted in ClinVar's aggregate classification.
Comment: Published functional studies suggest an increased sensitivity to a RYR1 agonist compared to wild-type controls, which is consistent with the mechanism for malignant hyperthermia (PMID: 34127251); In silico analysis supports that this missense variant has a deleterious effect on protein structure/function; Not observed at significant frequency in large population cohorts (gnomAD); This variant is associated with the following publications: (PMID: 23558838, 23422674, 37154182, 33767344, 34127251, 36208971, 36751502, 30236257, 16732084, 16917943)

Labcorp Genetics (formerly Invitae), Labcorp
Classification: Pathogenic for RYR1-related disorder. Last evaluated: 2024-12-17. Review status: criteria provided, single submitter. Criteria: Invitae Variant Classification Sherloc (09022015). Collection method: clinical testing. Allele origin: germline. Not counted in ClinVar's aggregate classification.
Comment: This sequence change replaces leucine, which is neutral and non-polar, with arginine, which is basic and polar, at codon 13 of the RYR1 protein (p.Leu13Arg). This variant is not present in population databases (gnomAD no frequency). This missense change has been observed in individual(s) with malignant hyperthermia (PMID: 16917943, 19191329, 23558838, 25960145, 34127251). It has also been observed to segregate with disease in related individuals. ClinVar contains an entry for this variant (Variation ID: 133129). Invitae Evidence Modeling of protein sequence and biophysical properties (such as structural, functional, and spatial information, amino acid conservation, physicochemical variation, residue mobility, and thermodynamic stability) has been performed for this missense variant. However, the output from this modeling did not meet the statistical confidence thresholds required to predict the impact of this variant on RYR1 protein function. Experimental studies have shown that this missense change affects RYR1 function (PMID: 34127251). For these reasons, this variant has been classified as Pathogenic.

Institute of Human Genetics, University of Leipzig Medical Center
Classification: Likely pathogenic for Malignant hyperthermia, susceptibility to, 1. Last evaluated: 2024-09-11. Review status: criteria provided, single submitter. Criteria: ACMG Guidelines, 2015. Collection method: clinical testing. Allele origin: unknown. Inheritance: Autosomal dominant inheritance. Affected: yes. Not counted in ClinVar's aggregate classification.
Comment: Criteria applied: PS3_MOD,PS4_MOD,PM1,PP1

Color Diagnostics, LLC DBA Color Health
Classification: Pathogenic for Malignant hyperthermia, susceptibility to, 1. Last evaluated: 2024-06-07. Review status: criteria provided, single submitter. Criteria: ACMG Guidelines, 2015. Collection method: clinical testing. Allele origin: germline. Not counted in ClinVar's aggregate classification.
Comment: This missense variant replaces leucine with arginine at codon 13 of the RYR1 protein. Computational prediction tools are inconsistent with regard to the impact of this variant on protein structure and function. A functional study has shown that this variant results in the hyperactivity of RYR1 protein to RYR1-agonist 4-CmC (PMID: 34127251). This variant has been reported in at least 9 unrelated individuals affected with malignant hyperthermia susceptibility (PMID: 16732084, 19191329, 23558838, 25960145, 30236257, 34127251, 36208971, 36751502, 37154182, 34127251). It has been shown that this variant segregates with disease in 9 related individuals in a family (PMID: 34127251). This variant has not been identified in the general population by the Genome Aggregation Database (gnomAD). Based on the available evidence, this variant is classified as Pathogenic.

ARUP Laboratories, Molecular Genetics and Genomics, ARUP Laboratories
Classification: Likely pathogenic. Last evaluated: 2023-06-28. Review status: criteria provided, single submitter. Criteria: ARUP Molecular Germline Variant Investigation Process 2024. Collection method: clinical testing. Allele origin: germline. Not counted in ClinVar's aggregate classification.
Comment: The RYR1 c.38T>G; p.Leu13Arg variant (rs193922744) is reported in the literature in individuals affected with malignant hyperthermia susceptibility (Brandom 2013, Ibarra 2006, Levano 2009, Robinson 2006, Snoeck 2015, van den Bersselaar 2021) and is also reported in ClinVar (Variation ID: 133129). Additionally, in vitro functional analyses in HEK293 cells demonstrate hypersensitivity to RYR1 agonists (van den Bersselaar 2021). This variant is absent from the Genome Aggregation Database, indicating it is not a common polymorphism. Computational analyses are uncertain whether this variant is neutral or deleterious (REVEL: 0.828). Based on available information, this variant is considered to be likely pathogenic. References: Brandom BW et al. Ryanodine receptor type 1 gene variants in the malignant hyperthermia-susceptible population of the United States. Anesth Analg. 2013 May;116(5):1078-1086. PMID: 23558838. Ibarra M CA et al. Malignant hyperthermia in Japan: mutation screening of the entire ryanodine receptor type 1 gene coding region by direct sequencing. Anesthesiology. 2006 Jun;104(6):1146-54. PMID: 16732084. Levano S et al. Increasing the number of diagnostic mutations in malignant hyperthermia. Hum Mutat. 2009 Apr;30(4):590-8. PMID: 19191329. Robinson R et al. Mutations in RYR1 in malignant hyperthermia and central core disease. Hum Mutat. 2006 Oct;27(10):977-89. PMID: 16917943. Snoeck M et al. RYR1-related myopathies: a wide spectrum of phenotypes throughout life. Eur J Neurol. 2015 Jul;22(7):1094-112. PMID: 25960145. van den Bersselaar LR et al. RYR1 variant c.38T>G, p.Leu13Arg causes hypersensitivity of the ryanodine receptor-1 and is pathogenic for malignant hyperthermia. Br J Anaesth. 2021 Aug;127(2):e63-e65. PMID: 34127251.

PreventionGenetics, part of Exact Sciences
Classification: Uncertain significance. Last evaluated: 2015-07-14. Review status: criteria provided, single submitter. Criteria: ACMG Guidelines, 2015. Collection method: clinical testing. Allele origin: germline. Not counted in ClinVar's aggregate classification.

RYR1 database
No classification provided. Review status: no classification provided. Collection method: not provided. Allele origin: unknown. Not counted in ClinVar's aggregate classification.

Literature cited by the submitters: PubMed 16917943 (cited by Labcorp Genetics (formerly Invitae), Labcorp); PubMed 19191329 (cited by Labcorp Genetics (formerly Invitae), Labcorp and Color Diagnostics, LLC DBA Color Health); PubMed 23558838 (cited by Labcorp Genetics (formerly Invitae), Labcorp and Color Diagnostics, LLC DBA Color Health); PubMed 25960145 (cited by Labcorp Genetics (formerly Invitae), Labcorp and Color Diagnostics, LLC DBA Color Health); PubMed 34127251 (cited by Labcorp Genetics (formerly Invitae), Labcorp and Color Diagnostics, LLC DBA Color Health); PubMed 16732084 (cited by Color Diagnostics, LLC DBA Color Health); PubMed 30236257 (cited by Color Diagnostics, LLC DBA Color Health); PubMed 36208971 (cited by Color Diagnostics, LLC DBA Color Health); PubMed 36751502 (cited by Color Diagnostics, LLC DBA Color Health); PubMed 37154182 (cited by Color Diagnostics, LLC DBA Color Health).